The following is an entry in ClinVar:

ClinVar aggregate classification (germline): Uncertain significance. Review status: criteria provided, multiple submitters, no conflicts (2 of 4 stars). 3 submissions from 3 submitters: Uncertain significance (2). 1 of the submissions does not count toward it. Last evaluated 2025-12-04.

Conditions:
DNAH9-related disorder. Also called: DNAH9-related condition.
Inborn genetic diseases. Identifiers: MedGen C0950123, MeSH D030342.

Allele frequency attached by ClinVar (database versions not stated): gnomAD exomes 0.00005; ExAC 0.00019; gnomAD 0.00027; TOPMed 0.00035; ESP Exome Variant Server 0.00054.
gnomAD v4.1: 111 of 1,614,174 alleles (0.0069%); highest among the groups gnomAD compares: African/African-American, 0.099%; no homozygotes.

Submissions (3):

Labcorp Genetics (formerly Invitae), Labcorp
Classification: Uncertain significance. Last evaluated: 2025-12-04. Review status: criteria provided, single submitter. Criteria: Invitae Variant Classification Sherloc (09022015). Collection method: clinical testing. Allele origin: germline.
Comment: This sequence change replaces arginine, which is basic and polar, with glutamine, which is neutral and polar, at codon 4261 of the DNAH9 protein (p.Arg4261Gln). This variant is present in population databases (rs149812805, gnomAD 0.1%). This variant has not been reported in the literature in individuals affected with DNAH9-related conditions. ClinVar contains an entry for this variant (Variation ID: 2074638). Invitae Evidence Modeling of protein sequence and biophysical properties (such as structural, functional, and spatial information, amino acid conservation, physicochemical variation, residue mobility, and thermodynamic stability) indicates that this missense variant is not expected to disrupt DNAH9 protein function with a negative predictive value of 80%. In summary, the available evidence is currently insufficient to determine the role of this variant in disease. Therefore, it has been classified as a Variant of Uncertain Significance.

Ambry Genetics
Classification: Uncertain significance for Inborn genetic diseases. Last evaluated: 2023-06-21. Review status: criteria provided, single submitter. Criteria: Ambry Variant Classification Scheme 2023. Collection method: clinical testing. Allele origin: germline.

PreventionGenetics, part of Exact Sciences
Classification: Uncertain significance for DNAH9-related condition. Last evaluated: 2024-01-18. Review status: no assertion criteria provided. Collection method: clinical testing. Allele origin: germline. Not counted in ClinVar's aggregate classification.
Comment: The DNAH9 c.12782G>A variant is predicted to result in the amino acid substitution p.Arg4261Gln. To our knowledge, this variant has not been reported in the literature. This variant is reported in 0.13% of alleles in individuals of African descent in gnomAD. Although we suspect that this variant may be benign, at this time, the clinical significance of this variant is uncertain due to the absence of conclusive functional and genetic evidence.

NM_001372.4(DNAH9):c.12782G>A (p.Arg4261Gln)

Gene: DNAH9 (dynein axonemal heavy chain 9; plus strand). Cytogenetic location: 17p12.
Variant type: single nucleotide variant.
Coding change: c.12782G>A on transcript NM_001372.4 (MANE Select); coding-DNA position 12782, G replaced by A.
Protein change: p.Arg4261Gln; replaces arginine 4261 with glutamine.
Molecular consequence: missense variant.
Genome position (GRCh38, 1-based): chr17:11,942,424, G>A. VCF-style: chr17-11942424-G-A. GRCh37 (hg19) VCF-style: chr17-11845741-G-A.
Other names: c.1718G>A, p.Arg573Gln (NM_004662.2); c.12782G>A (NM_001372.3); short protein forms R573Q, R4261Q.
Identifiers: ClinVar variation 2074638 (VCV002074638.7), dbSNP rs149812805, ClinGen allele CA8398254.